The following is an entry in ClinVar:

ClinVar aggregate classification (germline): Uncertain significance (1 of 4 stars; one submission).

Allele frequency attached by ClinVar (database versions not stated): ExAC 0.00007.
gnomAD v4.1: 1 of 1,539,936 alleles (0.000065%); highest among the groups gnomAD compares: South Asian, 0.0012%; no homozygotes.

Submission:

Labcorp Genetics (formerly Invitae), Labcorp
Classification: Uncertain significance. Last evaluated: 2023-02-14. Review status: criteria provided, single submitter. Criteria: Invitae Variant Classification Sherloc (09022015). Collection method: clinical testing. Allele origin: germline.
Comment: This sequence change replaces alanine, which is neutral and non-polar, with serine, which is neutral and polar, at codon 1409 of the DCHS1 protein (p.Ala1409Ser). This variant is not present in population databases (gnomAD no frequency). This variant has not been reported in the literature in individuals affected with DCHS1-related conditions. Advanced modeling of protein sequence and biophysical properties (such as structural, functional, and spatial information, amino acid conservation, physicochemical variation, residue mobility, and thermodynamic stability) performed at Invitae indicates that this missense variant is expected to disrupt DCHS1 protein function. In summary, the available evidence is currently insufficient to determine the role of this variant in disease. Therefore, it has been classified as a Variant of Uncertain Significance.

NM_003737.4(DCHS1):c.4225G>T (p.Ala1409Ser)

Gene: DCHS1 (dachsous cadherin-related 1; minus strand). Cytogenetic location: 11p15.4.
Variant type: single nucleotide variant.
Coding change: c.4225G>T on transcript NM_003737.4 (MANE Select); coding-DNA position 4225, G replaced by T.
Protein change: p.Ala1409Ser; replaces alanine 1409 with serine.
Molecular consequence: missense variant.
Genome position (GRCh38, 1-based): chr11:6,630,569, C>A on the plus strand (G>T on the coding strand, the complement: DCHS1 is on the minus strand). VCF-style: chr11-6630569-C-A. GRCh37 (hg19) VCF-style: chr11-6651800-C-A.
Other names: short protein forms A1409S.
Identifiers: ClinVar variation 2989947 (VCV002989947.3), dbSNP rs778853546, ClinGen allele CA5860358.